The following is an entry in ClinVar:

NM_001303256.3(MORC2):c.802T>C (p.Ser268Pro)

Gene: MORC2 (MORC family CW-type zinc finger 2; minus strand). Cytogenetic location: 22q12.2.
Variant type: single nucleotide variant.
Coding change: c.802T>C on transcript NM_001303256.3 (MANE Select); coding-DNA position 802, T replaced by C.
Protein change: p.Ser268Pro; replaces serine 268 with proline.
Molecular consequence: missense variant.
Genome position (GRCh38, 1-based): chr22:30,941,455, A>G on the plus strand (T>C on the coding strand, the complement: MORC2 is on the minus strand). VCF-style: chr22-30941455-A-G. GRCh37 (hg19) VCF-style: chr22-31337442-A-G.
Other names: c.802T>C, p.Ser268Pro (NM_001303257.2); c.616T>C, p.Ser206Pro (NM_014941.3); short protein forms S206P, S268P.
Identifiers: ClinVar variation 1039303 (VCV001039303.9), dbSNP rs2040740411, ClinGen allele CA411241136.

ClinVar aggregate classification (germline): Uncertain significance. Review status: criteria provided, multiple submitters, no conflicts (2 of 4 stars). 2 submissions from 2 submitters: Uncertain significance (2). Last evaluated 2021-01-07.

Conditions:
Inborn genetic diseases. Identifiers: MedGen C0950123, MeSH D030342.
Charcot-Marie-Tooth disease axonal type 2Z. Also called: CHARCOT-MARIE-TOOTH DISEASE, AXONAL, AUTOSOMAL DOMINANT, TYPE 2Z; CHARCOT-MARIE-TOOTH NEUROPATHY, TYPE 2Z. Identifiers: Orphanet 466768, MedGen C5569025, MONDO:0014736, OMIM 616688.

Submissions (2):

Ambry Genetics
Classification: Uncertain significance for Inborn genetic diseases. Last evaluated: 2021-01-07. Review status: criteria provided, single submitter. Criteria: Ambry Variant Classification Scheme 2023. Collection method: clinical testing. Allele origin: germline.
Comment: The p.S268P variant (also known as c.802T>C), located in coding exon 9 of the MORC2 gene, results from a T to C substitution at nucleotide position 802. The serine at codon 268 is replaced by proline, an amino acid with similar properties. This amino acid position is highly conserved in available vertebrate species. In addition, this alteration is predicted to be deleterious by in silico analysis. Since supporting evidence is limited at this time, the clinical significance of this alteration remains unclear.

Labcorp Genetics (formerly Invitae), Labcorp
Classification: Uncertain significance for Charcot-Marie-Tooth disease axonal type 2Z. Last evaluated: 2020-10-28. Review status: criteria provided, single submitter. Criteria: Invitae Variant Classification Sherloc (09022015). Collection method: clinical testing. Allele origin: germline.
Comment: In summary, the available evidence is currently insufficient to determine the role of this variant in disease. Therefore, it has been classified as a Variant of Uncertain Significance. Advanced modeling of protein sequence and biophysical properties (such as structural, functional, and spatial information, amino acid conservation, physicochemical variation, residue mobility, and thermodynamic stability) performed at Invitae indicates that this missense variant is expected to disrupt MORC2 protein function. This variant has not been reported in the literature in individuals with MORC2-related conditions. This variant is not present in population databases (ExAC no frequency). This sequence change replaces serine with proline at codon 268 of the MORC2 protein (p.Ser268Pro). The serine residue is highly conserved and there is a moderate physicochemical difference between serine and proline.